The following is an entry in ClinVar:

ClinVar aggregate classification (germline): Uncertain significance (1 of 4 stars; one submission).

Conditions:
Hereditary cancer-predisposing syndrome. Also called: Neoplastic Syndromes, Hereditary; Tumor predisposition; Hereditary Cancer Syndrome; Hereditary neoplastic syndrome. Identifiers: Orphanet 140162, MedGen C0027672, MeSH D009386, MONDO:0015356.

gnomAD v4.1: 2 of 1,613,574 alleles (0.00012%); highest among the groups gnomAD compares: African/African-American, 0.0013%; no homozygotes.

Submission:

Ambry Genetics
Classification: Uncertain significance for Hereditary cancer-predisposing syndrome. Last evaluated: 2025-11-17. Review status: criteria provided, single submitter. Criteria: Ambry Variant Classification Scheme 2023. Collection method: clinical testing. Allele origin: germline.
Comment: The p.M2404I variant (also known as c.7212G>A), located in coding exon 15 of the APC gene, results from a G to A substitution at nucleotide position 7212. The methionine at codon 2404 is replaced by isoleucine, an amino acid with highly similar properties. This amino acid position is conserved. In addition, in silico predictors for this gene do not accurately predict pathogenicity. Based on the available evidence, the clinical significance of this variant remains unclear.

NM_000038.6(APC):c.7212G>A (p.Met2404Ile)

Gene: APC (APC regulator of Wnt signaling pathway; plus strand). Cytogenetic location: 5q22.2.
Variant type: single nucleotide variant.
Coding change: c.7212G>A on transcript NM_000038.6 (MANE Select); coding-DNA position 7212, G replaced by A.
Protein change: p.Met2404Ile; replaces methionine 2404 with isoleucine.
Molecular consequence: missense variant. On other transcripts: non-coding transcript variant (2).
Genome position (GRCh38, 1-based): chr5:112,842,806, G>A. VCF-style: chr5-112842806-G-A. GRCh37 (hg19) VCF-style: chr5-112178503-G-A.
Other names: c.7212G>A, p.Met2404Ile (NM_001127510.3, NM_001354895.2, NM_001407450.1); c.7158G>A, p.Met2386Ile (NM_001127511.3); c.7266G>A, p.Met2422Ile (NM_001354896.2, NM_001407447.1, NM_001407448.1 and 1 more transcripts); c.7242G>A, p.Met2414Ile (NM_001354897.2); c.7137G>A, p.Met2379Ile (NM_001354898.2); c.7128G>A, p.Met2376Ile (NM_001354899.2); c.7089G>A, p.Met2363Ile (NM_001354900.2); c.7035G>A, p.Met2345Ile (NM_001354901.2, NM_001407453.1); and 11 more; short protein forms M2244I, M2278I, M2386I, M2394I, M2414I, M2432I, M2121I, M2275I.
Identifiers: ClinVar variation 4591158 (VCV004591158.1).
Genomic context (GRCh38, chr5:112,842,806, plus strand): 5'-ATCCAAGAATGCCAGTAGTATTCCAAGAAGTGAGTCTGCCTCCAAAGGACTAAATCAGAT[G>A]AATAATGGTAATGGAGCCAATAAAAAGGTAGAACTTTCTAGAATGTCTTCAACTAAATCA-3'
Protein context (NP_000029.2, residues 2394-2414): SESASKGLNQ[Met2404Ile]NNGNGANKKV